The following is an entry in ClinVar:

ClinVar aggregate classification (germline): Likely benign. Review status: criteria provided, multiple submitters, no conflicts (2 of 4 stars). 2 submissions from 2 submitters: Likely benign (2). Last evaluated 2026-04-22.

Conditions:
Retinitis pigmentosa 71 (RP71). Identifiers: Orphanet 791, MedGen C4225342, MONDO:0014618, OMIM 616394.
Short-rib thoracic dysplasia 10 with or without polydactyly (SRTD10). Identifiers: Orphanet 474, MedGen C3810175, MONDO:0014284, OMIM 615630.
IFT172-related disorder. Also called: IFT172-related disorders; IFT172-related condition.

Allele frequency attached by ClinVar (database versions not stated): ExAC 0.00001; gnomAD 0.00001; gnomAD exomes 0.00001 and 0.00002; TOPMed 0.00002.
gnomAD v4.1: 8 of 1,613,682 alleles (0.0005%); highest among the groups gnomAD compares: East Asian, 0.018%; no homozygotes.

Submissions (2):

PreventionGenetics, part of Exact Sciences
Classification: Likely benign for IFT172-related condition. Last evaluated: 2026-04-22. Review status: criteria provided, single submitter. Criteria: ACMG Guidelines, 2015. Collection method: clinical testing. Allele origin: germline.
Comment: This variant is classified as likely benign based on ACMG/AMP sequence variant interpretation guidelines (Richards et al. 2015 PMID: 25741868, with internal and published modifications).

Labcorp Genetics (formerly Invitae), Labcorp
Classification: Likely benign for Retinitis pigmentosa 71; Short-rib thoracic dysplasia 10 with or without polydactyly. Last evaluated: 2021-12-24. Review status: criteria provided, single submitter. Criteria: Invitae Variant Classification Sherloc (09022015). Collection method: clinical testing. Allele origin: germline.

NM_015662.3(IFT172):c.3465+10T>C

Gene: IFT172 (intraflagellar transport 172; minus strand). Cytogenetic location: 2p23.3.
Variant type: single nucleotide variant.
Coding change: c.3465+10T>C on transcript NM_015662.3 (MANE Select); 10 bases into the intron after coding-DNA position 3465, T replaced by C.
Molecular consequence: intron variant.
Genome position (GRCh38, 1-based): chr2:27,454,557, A>G on the plus strand (T>C on the coding strand, the complement: IFT172 is on the minus strand). VCF-style: chr2-27454557-A-G. GRCh37 (hg19) VCF-style: chr2-27677424-A-G.
Other names: c.3465+10T>C (NM_015662.2).
Identifiers: ClinVar variation 1092226 (VCV001092226.11), dbSNP rs780429245, ClinGen allele CA1579981.